The following is an entry in ClinVar:

ClinVar aggregate classification (germline): Pathogenic (1 of 4 stars; one submission).

Conditions:
Hereditary cancer-predisposing syndrome. Also called: Hereditary Cancer Syndrome; Hereditary neoplastic syndrome; Neoplastic Syndromes, Hereditary; Tumor predisposition. Identifiers: Orphanet 140162, MedGen C0027672, MeSH D009386, MONDO:0015356.

Submission:

Ambry Genetics
Classification: Pathogenic for Hereditary cancer-predisposing syndrome. Last evaluated: 2017-08-28. Review status: criteria provided, single submitter. Criteria: Ambry Variant Classification Scheme 2023. Collection method: clinical testing. Allele origin: germline.
Comment: The c.4263dupG pathogenic mutation, located in coding exon 33 of the TSC2 gene, results from a duplication of G at nucleotide position 4263, causing a translational frameshift with a predicted alternate stop codon (p.T1422Dfs*102). This alteration is expected to result in loss of function by premature protein truncation or nonsense-mediated mRNA decay. As such, this alteration is interpreted as a disease-causing mutation.

NM_000548.5(TSC2):c.4263dup (p.Thr1422fs)

Gene: TSC2 (TSC complex subunit 2; plus strand). Cytogenetic location: 16p13.3.
Variant type: Duplication.
Coding change: c.4263dup on transcript NM_000548.5 (MANE Select); coding-DNA position 4263, one base duplicated (G; older notation c.4263dupG).
Protein change: p.Thr1422fs; shifts the reading frame from threonine 1422.
Molecular consequence: frameshift variant.
Genome position (GRCh38, 1-based): chr16:2,084,485, G duplicated; the last of 3 consecutive G bases (chr16:2,084,483-2,084,485); duplicating any one gives the same sequence. VCF-style (leftmost placement, unchanged base first): chr16-2084482-A-AG. GRCh37 (hg19) VCF-style: chr16-2134483-A-AG.
Other names: c.4062dup, p.Thr1355fs (NM_001077183.3); c.4194dup, p.Thr1399fs (NM_001114382.3); c.3954dup, p.Thr1319fs (NM_001318827.2); c.3918dup, p.Thr1307fs (NM_001318829.2); c.3531dup, p.Thr1178fs (NM_001318831.2); c.4095dup, p.Thr1366fs (NM_001318832.2); c.4065dup, p.Thr1356fs (NM_001363528.2); c.4131dup, p.Thr1378fs (NM_001370404.1); and 27 more; short protein forms T1307fs, T1319fs, T1356fs, T1399fs, T1422fs, T1178fs, T1355fs, T1379fs.
Identifiers: ClinVar variation 1739188 (VCV001739188.2), dbSNP rs2544273100, ClinGen allele CA2580090931.
Genomic context (GRCh38, chr16:2,084,482, plus strand): 5'-CCCTGGGGACAAGGCCGACGTGGGCCGGCTGAGCCCTGAGGTTAAGGCCCGGTCACAGTC[A>AG]GGGACCCTGGACGGGGAAAGTGCTGCCTGGTCGGCCTCGGGCGAAGACAGTCGGGGCCAG-3'